The following is an entry in ClinVar:

NM_170606.3(KMT2C):c.3159-3C>T

Gene: KMT2C (lysine methyltransferase 2C; minus strand). Cytogenetic location: 7q36.1.
Variant type: single nucleotide variant.
Coding change: c.3159-3C>T on transcript NM_170606.3 (MANE Select); 3 bases into the intron before coding-DNA position 3159, C replaced by T.
Molecular consequence: intron variant.
Genome position (GRCh38, 1-based): chr7:152,224,182, G>A on the plus strand (C>T on the coding strand, the complement: KMT2C is on the minus strand). VCF-style: chr7-152224182-G-A. GRCh37 (hg19) VCF-style: chr7-151921267-G-A.
Identifiers: ClinVar variation 2172266 (VCV002172266.5), dbSNP rs756117443, ClinGen allele CA4580894.

ClinVar aggregate classification (germline): Uncertain significance. Review status: criteria provided, multiple submitters, no conflicts (2 of 4 stars). 2 submissions from 2 submitters: Uncertain significance (2). Last evaluated 2026-02-17.

Allele frequency attached by ClinVar (database versions not stated): gnomAD 0.00002; TOPMed 0.00002; gnomAD exomes 0.00003.
gnomAD v4.1: 41 of 1,596,232 alleles (0.0026%); highest among the groups gnomAD compares: Non-Finnish European, 0.0032%; no homozygotes.

Submissions (2):

Women's Health and Genetics/Laboratory Corporation of America, LabCorp
Classification: Uncertain significance. Last evaluated: 2026-02-17. Review status: criteria provided, single submitter. Criteria: LabCorp Variant Classification Summary - May 2015. Collection method: clinical testing. Allele origin: germline.
Comment: Variant summary: KMT2C c.3159-3C>T alters a nucleotide located close to a canonical splice site and therefore could affect mRNA splicing, leading to a significantly altered protein sequence. Consensus agreement among computation tools predict no significant impact on normal splicing. However, these predictions have yet to be confirmed by functional studies. The variant allele was found at a frequency of 1.3e-05 in 222848 control chromosomes. The available data on variant occurrences in the general population are insufficient to allow any conclusion about variant significance. To our knowledge, no occurrence of c.3159-3C>T in individuals affected with KMT2C-related conditions and no experimental evidence demonstrating its impact on protein function have been reported. ClinVar contains an entry for this variant (Variation ID: 2172266). Based on the evidence outlined above, the variant was classified as uncertain significance.

Labcorp Genetics (formerly Invitae), Labcorp
Classification: Uncertain significance. Last evaluated: 2022-06-23. Review status: criteria provided, single submitter. Criteria: Invitae Variant Classification Sherloc (09022015). Collection method: clinical testing. Allele origin: germline.
Comment: In summary, the available evidence is currently insufficient to determine the role of this variant in disease. Therefore, it has been classified as a Variant of Uncertain Significance. Variants that disrupt the consensus splice site are a relatively common cause of aberrant splicing (PMID: 17576681, 9536098). Algorithms developed to predict the effect of sequence changes on RNA splicing suggest that this variant is not likely to affect RNA splicing. This variant has not been reported in the literature in individuals affected with KMT2C-related conditions. This variant is present in population databases (rs756117443, gnomAD 0.003%). This sequence change falls in intron 19 of the KMT2C gene. It does not directly change the encoded amino acid sequence of the KMT2C protein. It affects a nucleotide within the consensus splice site.

Literature cited by the submitters: PubMed 17576681 (cited by Labcorp Genetics (formerly Invitae), Labcorp); PubMed 9536098 (cited by Labcorp Genetics (formerly Invitae), Labcorp).